The following is an entry in ClinVar:

NM_006915.3(RP2):c.972G>A (p.Met324Ile)

Gene: RP2 (RP2 activator of ARL3 GTPase; plus strand). Cytogenetic location: Xp11.3.
Variant type: single nucleotide variant.
Coding change: c.972G>A on transcript NM_006915.3 (MANE Select); coding-DNA position 972, G replaced by A.
Protein change: p.Met324Ile; replaces methionine 324 with isoleucine.
Molecular consequence: missense variant.
Genome position (GRCh38, 1-based): chrX:46,879,688, G>A. VCF-style: chrX-46879688-G-A. GRCh37 (hg19) VCF-style: chrX-46739123-G-A.
Other names: short protein forms M324I.
Identifiers: ClinVar variation 1499466 (VCV001499466.6), dbSNP rs2147090226, ClinGen allele CA413036726.

ClinVar aggregate classification (germline): Uncertain significance (1 of 4 stars; one submission).

Allele frequency attached by ClinVar (database versions not stated): gnomAD exomes below 0.00001.
gnomAD v4.1: 1 of 1,175,387 alleles (0.000085%); highest among the groups gnomAD compares: Non-Finnish European, 0.00012%; no homozygotes.

Submission:

Labcorp Genetics (formerly Invitae), Labcorp
Classification: Uncertain significance. Last evaluated: 2022-01-15. Review status: criteria provided, single submitter. Criteria: Invitae Variant Classification Sherloc (09022015). Collection method: clinical testing. Allele origin: germline.
Comment: This sequence change replaces methionine, which is neutral and non-polar, with isoleucine, which is neutral and non-polar, at codon 324 of the RP2 protein (p.Met324Ile). In summary, the available evidence is currently insufficient to determine the role of this variant in disease. Therefore, it has been classified as a Variant of Uncertain Significance. Algorithms developed to predict the effect of missense changes on protein structure and function output the following: SIFT: "Tolerated"; PolyPhen-2: "Benign"; Align-GVGD: "Class C0". The isoleucine amino acid residue is found in multiple mammalian species, which suggests that this missense change does not adversely affect protein function. This variant has not been reported in the literature in individuals affected with RP2-related conditions. This variant is not present in population databases (gnomAD no frequency).